The following is an entry in ClinVar:

NM_005862.3(STAG1):c.2286G>C (p.Leu762Phe)

Gene: STAG1 (STAG1 cohesin complex component; minus strand). Cytogenetic location: 3q22.3.
Variant type: single nucleotide variant.
Coding change: c.2286G>C on transcript NM_005862.3 (MANE Select); coding-DNA position 2286, G replaced by C.
Protein change: p.Leu762Phe; replaces leucine 762 with phenylalanine.
Molecular consequence: missense variant.
Genome position (GRCh38, 1-based): chr3:136,377,744, C>G on the plus strand (G>C on the coding strand, the complement: STAG1 is on the minus strand). VCF-style: chr3-136377744-C-G. GRCh37 (hg19) VCF-style: chr3-136096586-C-G.
Other names: short protein forms L762F.
Identifiers: ClinVar variation 3367720 (VCV003367720.1).

ClinVar aggregate classification (germline): Uncertain significance (1 of 4 stars; one submission).

Submission:

GeneDx
Classification: Uncertain significance. Last evaluated: 2024-01-20. Review status: criteria provided, single submitter. Criteria: GeneDx Variant Classification Process June 2021. Collection method: clinical testing. Allele origin: germline. Affected: yes.
Comment: Not observed at significant frequency in large population cohorts (gnomAD); In silico analysis supports that this missense variant does not alter protein structure/function; Has not been previously published as pathogenic or benign to our knowledge